The following is an entry in ClinVar:

NM_001854.4(COL11A1):c.1633G>T (p.Gly545Trp)

Gene: COL11A1 (collagen type XI alpha 1 chain; minus strand). Cytogenetic location: 1p21.1.
Variant type: single nucleotide variant.
Coding change: c.1633G>T on transcript NM_001854.4 (MANE Select); coding-DNA position 1633, G replaced by T.
Protein change: p.Gly545Trp; replaces glycine 545 with tryptophan.
Molecular consequence: missense variant. On other transcripts: non-coding transcript variant (1).
Genome position (GRCh38, 1-based): chr1:103,008,513, C>A on the plus strand (G>T on the coding strand, the complement: COL11A1 is on the minus strand). VCF-style: chr1-103008513-C-A. GRCh37 (hg19) VCF-style: chr1-103474069-C-A.
Other names: c.1285G>T, p.Gly429Trp (NM_001168249.1, NM_080630.4); c.1516G>T, p.Gly506Trp (NM_001190709.2); c.1669G>T, p.Gly557Trp (NM_080629.3); short protein forms G545W, G557W, G429W, G506W.
Identifiers: ClinVar variation 2009934 (VCV002009934.4), dbSNP rs2525434092, ClinGen allele CA341175611.
Genomic context (GRCh38, chr1:103,008,513, plus strand): 5'-TATTTTTTACCTGAGGACCTGGATCACCACTCTCACCTTTGGCCCCAGATGAACCAGGCC[C>A]CCCCTATAGAGAAAAAGTGAAGATATTTCACTTAATTTAGCAATTTCCTAACTACTTTTA-3'
Protein context (NP_001845.3, residues 535-555): GLTGRPGPVG[Gly545Trp]PGSSGAKGES

ClinVar aggregate classification (germline): Uncertain significance (1 of 4 stars; one submission).

Submission:

Labcorp Genetics (formerly Invitae), Labcorp
Classification: Uncertain significance. Last evaluated: 2022-06-23. Review status: criteria provided, single submitter. Criteria: Invitae Variant Classification Sherloc (09022015). Collection method: clinical testing. Allele origin: germline.
Comment: In summary, the available evidence is currently insufficient to determine the role of this variant in disease. Therefore, it has been classified as a Variant of Uncertain Significance. Advanced modeling of protein sequence and biophysical properties (such as structural, functional, and spatial information, amino acid conservation, physicochemical variation, residue mobility, and thermodynamic stability) performed at Invitae indicates that this missense variant is not expected to disrupt COL11A1 protein function. This variant has not been reported in the literature in individuals affected with COL11A1-related conditions. This variant is not present in population databases (gnomAD no frequency). This sequence change replaces glycine, which is neutral and non-polar, with tryptophan, which is neutral and slightly polar, at codon 545 of the COL11A1 protein (p.Gly545Trp).